The following is an entry in ClinVar:

NM_005045.4(RELN):c.23G>A (p.Arg8Gln)

Gene: RELN (reelin; minus strand). Cytogenetic location: 7q22.1.
Variant type: single nucleotide variant.
Coding change: c.23G>A on transcript NM_005045.4 (MANE Select); coding-DNA position 23, G replaced by A.
Protein change: p.Arg8Gln; replaces arginine 8 with glutamine.
Molecular consequence: missense variant.
Genome position (GRCh38, 1-based): chr7:103,989,334, C>T on the plus strand (G>A on the coding strand, the complement: RELN is on the minus strand). VCF-style: chr7-103989334-C-T. GRCh37 (hg19) VCF-style: chr7-103629781-C-T.
Other names: c.23G>A, p.Arg8Gln (NM_173054.3); short protein forms R8Q.
Identifiers: ClinVar variation 910390 (VCV000910390.11), dbSNP rs765261158, ClinGen allele CA4422742.
Genomic context (GRCh38, chr7:103,989,334, plus strand): 5'-CCAGCCGCCGCGCGCGCCCTCAGCGTCGCCCCCAGCAACAGCGCTAGGAGGAAAGTCTGC[C>T]GGGCCCAGCCACTGCGCTCCATGCCGCCGCCGCCGCCGCCGCCGCCGCGCGCCCTACGCG-3'
Protein context (NP_005036.2, residues 1-18): MERSGWA[Arg8Gln]QTFLLALLLG

ClinVar aggregate classification (germline): Conflicting classifications of pathogenicity. Review status: criteria provided, conflicting classifications (1 of 4 stars). 3 submissions from 3 submitters: Uncertain significance (2); Likely benign (1). Last evaluated 2026-07-01.

Conditions:
Norman-Roberts syndrome (LIS2). Also called: Lissencephaly 2 (Norman-Roberts type). Identifiers: Orphanet 89844, MedGen C0796089, MONDO:0009760, OMIM 257320.
Familial temporal lobe epilepsy 7. Identifiers: Orphanet 101046, MedGen C4225327, MONDO:0014639, OMIM 616436.

Allele frequency attached by ClinVar (database versions not stated): gnomAD exomes 0.00003 and 0.00004; ExAC 0.00006.
gnomAD v4.1: 61 of 1,564,960 alleles (0.0039%); highest among the groups gnomAD compares: Non-Finnish European, 0.0048%; no homozygotes.

Submissions (3):

CeGaT Center for Human Genetics Tuebingen
Classification: Uncertain significance. Last evaluated: 2026-07-01. Review status: criteria provided, single submitter. Criteria: CeGaT Center For Human Genetics Tuebingen Variant Classification Criteria Version 2. Collection method: clinical testing. Allele origin: germline. Affected: yes. Observed: 1 variant allele.
Comment: RELN: PM2

Labcorp Genetics (formerly Invitae), Labcorp
Classification: Likely benign for Familial temporal lobe epilepsy 7; Norman-Roberts syndrome. Last evaluated: 2025-04-18. Review status: criteria provided, single submitter. Criteria: Invitae Variant Classification Sherloc (09022015). Collection method: clinical testing. Allele origin: germline.

Illumina Laboratory Services, Illumina
Classification: Uncertain significance for Norman-Roberts syndrome. Last evaluated: 2018-01-12. Review status: criteria provided, single submitter. Criteria: ICSL Variant Classification Criteria 13 December 2019. Collection method: clinical testing. Allele origin: germline.